The following is an entry in ClinVar:

NM_001374736.1(DST):c.15766A>G (p.Met5256Val)

Gene: DST (dystonin; minus strand). Cytogenetic location: 6p12.1.
Variant type: single nucleotide variant.
Coding change: c.15766A>G on transcript NM_001374736.1 (MANE Select); coding-DNA position 15766, A replaced by G.
Protein change: p.Met5256Val; replaces methionine 5256 with valine.
Molecular consequence: missense variant.
Genome position (GRCh38, 1-based): chr6:56,553,026, T>C on the plus strand (A>G on the coding strand, the complement: DST is on the minus strand). VCF-style: chr6-56553026-T-C. GRCh37 (hg19) VCF-style: chr6-56417824-T-C.
Other names: c.9409A>G, p.Met3137Val (NM_001144769.5); c.8995A>G, p.Met2999Val (NM_001144770.2); c.15766A>G, p.Met5256Val (NM_001374722.1); c.15133A>G, p.Met5045Val (NM_001374729.1); c.8875A>G, p.Met2959Val (NM_001374730.1, NM_001386100.1, NM_183380.4); c.15793A>G, p.Met5265Val (NM_001374734.1); c.7897A>G, p.Met2633Val (NM_015548.5); short protein forms M2959V, M3137V, M2999V, M5045V, M5256V, M5265V, M2633V.
Identifiers: ClinVar variation 1347623 (VCV001347623.6), dbSNP rs2152555772, ClinGen allele CA364516098.
Genomic context (GRCh38, chr6:56,553,026, plus strand): 5'-TAAACTTCTGAGTCATGTTCTCCAGACAGAATTTCTTACTGTGAAGTTGTTCAGTGACCA[T>C]GTCCACCTTCTGGATCAGTGACTTATTCTCATCTGTAACAACTTCTTTATCTATCTCACA-3'
Protein context (NP_001361665.1, residues 5246-5266): ENKSLIQKVD[Met5256Val]VTEQLHSKKF

ClinVar aggregate classification (germline): Uncertain significance (1 of 4 stars; one submission).

Conditions:
Hereditary sensory and autonomic neuropathy type 6. Also called: HSAN VI; Neuropathy, hereditary sensory and autonomic, type VI. Identifiers: Orphanet 314381, MedGen C3539003, MONDO:0013839, OMIM 614653.
Epidermolysis bullosa simplex 3, localized or generalized intermediate, with BP230 deficiency (EBS3). Also called: Epidermolysis bullosa simplex, autosomal recessive 2; Epidermolysis bullosa simplex due to BP230 deficiency. Identifiers: Orphanet 412181, MedGen C3809470, MONDO:0014180, OMIM 615425.

gnomAD v4.1: 10 of 1,613,966 alleles (0.00062%); highest among the groups gnomAD compares: South Asian, 0.0011%; no homozygotes.

Submission:

Labcorp Genetics (formerly Invitae), Labcorp
Classification: Uncertain significance for Epidermolysis bullosa simplex 3, localized or generalized intermediate, with BP230 deficiency; Hereditary sensory and autonomic neuropathy type 6. Last evaluated: 2021-05-06. Review status: criteria provided, single submitter. Criteria: Invitae Variant Classification Sherloc (09022015). Collection method: clinical testing. Allele origin: germline.
Comment: This variant is not present in population databases (ExAC no frequency). This sequence change replaces methionine with valine at codon 2633 of the DST protein (p.Met2633Val). The DST gene has multiple clinically relevant transcripts. This variant occurs in alternate transcript NM_015548.4, and corresponds to NM_001723.5:c.*62491A>G in the primary transcript. This variant has not been reported in the literature in individuals with DST-related conditions. In summary, the available evidence is currently insufficient to determine the role of this variant in disease. Therefore, it has been classified as a Variant of Uncertain Significance. Experimental studies and prediction algorithms are not available or were not evaluated, and the functional significance of this variant is currently unknown.